The following is an entry in ClinVar:

NR_003051.4(RMRP):n.59_60insA

Gene: RMRP (RNA component of mitochondrial RNA processing endoribonuclease; minus strand). Cytogenetic location: 9p13.3.
Variant type: Insertion.
Genome position: GRCh38 VCF-style: chr9-35657960-A-AT. GRCh37 (hg19) VCF-style: chr9-35657957-A-AT.
Identifiers: ClinVar variation 663329 (VCV000663329.10), dbSNP rs1053360711, ClinGen allele CA192745671.

ClinVar aggregate classification (germline): Uncertain significance. Review status: criteria provided, multiple submitters, no conflicts (2 of 4 stars). 4 submissions from 4 submitters: Uncertain significance (3). 1 of the submissions does not count toward it. Last evaluated 2025-05-19.

Conditions:
Metaphyseal chondrodysplasia, McKusick type (CHH). Also called: Cartilage-hair hypoplasia; Cartilage-Hair Hypoplasia (CHH). Identifiers: Orphanet 175, MedGen C0220748, MONDO:0009595, OMIM 250250.
RMRP-related disorder. Also called: RMRP-related condition.
Anauxetic dysplasia. Identifiers: Orphanet 93347, MedGen C1846796, MONDO:0011773.

Allele frequency attached by ClinVar (database versions not stated): gnomAD 0.00019 and 0.00021; TOPMed 0.00023; gnomAD exomes 0.00025 and 0.00032.

Submissions (4):

Women's Health and Genetics/Laboratory Corporation of America, LabCorp
Classification: Uncertain significance. Last evaluated: 2025-05-19. Review status: criteria provided, single submitter. Criteria: LabCorp Variant Classification Summary - May 2015. Collection method: clinical testing. Allele origin: germline.
Comment: Variant summary: RMRP n.58_59insA (also known as NC_000009.11: chr9:g.35657957_35657958insT) alters a nucleotide in the non-coding RNA. The variant allele was found at a frequency of 0.00025 in 130474 control chromosomes in the gnomAD database, including 1 homozygotes. This frequency is not significantly higher than estimated for a pathogenic variant in RMRP causing Cartilage-Hair Hypoplasia (0.00025 vs 0.0072), allowing no conclusion about variant significance. To our knowledge, no occurrence of n.58_59insA in individuals affected with Cartilage-Hair Hypoplasia and no experimental evidence demonstrating its impact on protein function have been reported. ClinVar contains an entry for this variant (Variation ID: 663329). Based on the evidence outlined above, the variant was classified as uncertain significance.

Labcorp Genetics (formerly Invitae), Labcorp
Classification: Uncertain significance for Anauxetic dysplasia. Last evaluated: 2025-01-23. Review status: criteria provided, single submitter. Criteria: Invitae Variant Classification Sherloc (09022015). Collection method: clinical testing. Allele origin: germline.
Comment: This variant occurs in the RMRP gene, which encodes an RNA molecule that does not result in a protein product. This variant is present in population databases (no rsID available, gnomAD 0.05%). This variant has not been reported in the literature in individuals affected with RMRP-related conditions. ClinVar contains an entry for this variant (Variation ID: 663329). Experimental studies and prediction algorithms are not available or were not evaluated, and the functional significance of this variant is currently unknown. In summary, the available evidence is currently insufficient to determine the role of this variant in disease. Therefore, it has been classified as a Variant of Uncertain Significance.

PreventionGenetics, part of Exact Sciences
Classification: Uncertain significance for RMRP-related condition. Last evaluated: 2023-04-25. Review status: criteria provided, single submitter. Criteria: ACMG Guidelines, 2015. Collection method: clinical testing. Allele origin: germline.
Comment: The RMRP n.58_59insA variant is predicted to result in an in-frame amino acid insertion (Non-Coding). To our knowledge, this variant has not been reported in the literature. This variant is reported in 0.054% of alleles in individuals of European (Non-Finnish) descent in gnomAD, including one homozygous individual. Although we suspect that this variant may be benign, at this time, the clinical significance of this variant is uncertain due to the absence of conclusive functional and genetic evidence.

Natera, Inc.
Classification: Uncertain significance for Cartilage-hair hypoplasia. Last evaluated: 2019-11-11. Review status: no assertion criteria provided. Collection method: clinical testing. Allele origin: germline. Not counted in ClinVar's aggregate classification.